The following is an entry in ClinVar:

NM_001020658.2(PUM1):c.1607C>G (p.Ala536Gly)

Gene: PUM1 (pumilio RNA binding family member 1; minus strand). Cytogenetic location: 1p35.2.
Variant type: single nucleotide variant.
Coding change: c.1607C>G on transcript NM_001020658.2 (MANE Select); coding-DNA position 1607, C replaced by G.
Protein change: p.Ala536Gly; replaces alanine 536 with glycine.
Molecular consequence: missense variant.
Genome position (GRCh38, 1-based): chr1:30,968,392, G>C on the plus strand (C>G on the coding strand, the complement: PUM1 is on the minus strand). VCF-style: chr1-30968392-G-C. GRCh37 (hg19) VCF-style: chr1-31441239-G-C.
Other names: c.1607C>G, p.Ala536Gly (NM_014676.3); short protein forms A536G.
Identifiers: ClinVar variation 3370970 (VCV003370970.1).

ClinVar aggregate classification (germline): Uncertain significance (1 of 4 stars; one submission).

Submission:

GeneDx
Classification: Uncertain significance. Last evaluated: 2024-03-15. Review status: criteria provided, single submitter. Criteria: GeneDx Variant Classification Process June 2021. Collection method: clinical testing. Allele origin: germline. Affected: yes.
Comment: Not observed at significant frequency in large population cohorts (gnomAD); In silico analysis supports that this missense variant does not alter protein structure/function; Has not been previously published as pathogenic or benign to our knowledge